The following is an entry in ClinVar:

NM_003072.5(SMARCA4):c.1615C>T (p.Arg539Cys)

Gene: SMARCA4 (SWI/SNF related BAF chromatin remodeling complex subunit ATPase 4; plus strand). Cytogenetic location: 19p13.2.
Variant type: single nucleotide variant.
Coding change: c.1615C>T on transcript NM_003072.5 (MANE Select); coding-DNA position 1615, C replaced by T.
Protein change: p.Arg539Cys; replaces arginine 539 with cysteine.
Molecular consequence: missense variant. On other transcripts: non-coding transcript variant (1).
Genome position (GRCh38, 1-based): chr19:10,996,234, C>T. VCF-style: chr19-10996234-C-T. GRCh37 (hg19) VCF-style: chr19-11106910-C-T.
Other names: c.1615C>T, p.Arg539Cys (NM_001128844.3, NM_001128845.2, NM_001128846.2 and 6 more transcripts); short protein forms R539C.
Identifiers: ClinVar variation 2763406 (VCV002763406.3), dbSNP rs2087029320, ClinGen allele CA404064256.
Genomic context (GRCh38, chr19:10,996,234, plus strand): 5'-TTGTGCCACCACATTGCAGTAACCCCCATGCTTTTGTAGGCTGAAGATGAGGAGGGGTAC[C>T]GCAAGCTCATCGACCAGAAGAAGGACAAGCGCCTGGCCTACCTCTTGCAGCAGACAGACG-3'
Protein context (NP_003063.2, residues 529-549): RLMAEDEEGY[Arg539Cys]KLIDQKKDKR

ClinVar aggregate classification (germline): Uncertain significance (1 of 4 stars; one submission).

Conditions:
Rhabdoid tumor predisposition syndrome 2 (RTPS2). Identifiers: Orphanet 231108, Orphanet 69077, MedGen C2750074, MONDO:0013224, OMIM 613325.

Submission:

Labcorp Genetics (formerly Invitae), Labcorp
Classification: Uncertain significance for Rhabdoid tumor predisposition syndrome 2. Last evaluated: 2024-12-18. Review status: criteria provided, single submitter. Criteria: Invitae Variant Classification Sherloc (09022015). Collection method: clinical testing. Allele origin: germline.
Comment: This sequence change replaces arginine, which is basic and polar, with cysteine, which is neutral and slightly polar, at codon 539 of the SMARCA4 protein (p.Arg539Cys). This variant is not present in population databases (gnomAD no frequency). This variant has not been reported in the literature in individuals affected with SMARCA4-related conditions. ClinVar contains an entry for this variant (Variation ID: 2763406). Invitae Evidence Modeling of protein sequence and biophysical properties (such as structural, functional, and spatial information, amino acid conservation, physicochemical variation, residue mobility, and thermodynamic stability) indicates that this missense variant is expected to disrupt SMARCA4 protein function with a positive predictive value of 95%. In summary, the available evidence is currently insufficient to determine the role of this variant in disease. Therefore, it has been classified as a Variant of Uncertain Significance.